The following is an entry in ClinVar:

ClinVar aggregate classification (germline): Uncertain significance (1 of 4 stars; one submission).

Allele frequency attached by ClinVar (database versions not stated): gnomAD exomes below 0.00001.
gnomAD v4.1: 1 of 1,614,150 alleles (0.000062%); highest among the groups gnomAD compares: Non-Finnish European, 0.000085%; no homozygotes.

Submission:

Labcorp Genetics (formerly Invitae), Labcorp
Classification: Uncertain significance. Last evaluated: 2022-12-08. Review status: criteria provided, single submitter. Criteria: Invitae Variant Classification Sherloc (09022015). Collection method: clinical testing. Allele origin: germline.
Comment: This variant is not present in population databases (gnomAD no frequency). This variant has not been reported in the literature in individuals affected with MTOR-related conditions. In summary, the available evidence is currently insufficient to determine the role of this variant in disease. Therefore, it has been classified as a Variant of Uncertain Significance. Algorithms developed to predict the effect of sequence changes on RNA splicing suggest that this variant may create or strengthen a splice site. This sequence change falls in intron 34 of the MTOR gene. It does not directly change the encoded amino acid sequence of the MTOR protein.

NM_004958.4(MTOR):c.4873-9A>G

Gene: MTOR (mechanistic target of rapamycin kinase; minus strand). Cytogenetic location: 1p36.22.
Variant type: single nucleotide variant.
Coding change: c.4873-9A>G on transcript NM_004958.4 (MANE Select); 9 bases into the intron before coding-DNA position 4873, A replaced by G.
Molecular consequence: intron variant.
Genome position (GRCh38, 1-based): chr1:11,139,667, T>C on the plus strand (A>G on the coding strand, the complement: MTOR is on the minus strand). VCF-style: chr1-11139667-T-C. GRCh37 (hg19) VCF-style: chr1-11199724-T-C.
Other names: c.3625-9A>G (NM_001386501.1); c.4873-9A>G (NM_001386500.1).
Identifiers: ClinVar variation 2095292 (VCV002095292.4), dbSNP rs2522432747, ClinGen allele CA2580060491.